The following is an entry in ClinVar:

ClinVar aggregate classification (germline): Uncertain significance (1 of 4 stars; one submission).

Conditions:
Brugada syndrome. Also called: Sudden unexpected nocturnal death syndrome; Sudden unexplained nocturnal death syndrome; Sudden Unexplained Death Syndrome; Sudden Unexplained Nocturnal Death Syndrome (SUNDS). Identifiers: Orphanet 130, MedGen C1142166, MONDO:0015263.

gnomAD v4.1: 6 of 1,612,002 alleles (0.00037%); highest among the groups gnomAD compares: South Asian, 0.0066%; no homozygotes.

Submission:

Labcorp Genetics (formerly Invitae), Labcorp
Classification: Uncertain significance for Brugada syndrome. Last evaluated: 2024-11-12. Review status: criteria provided, single submitter. Criteria: Invitae Variant Classification Sherloc (09022015). Collection method: clinical testing. Allele origin: germline.
Comment: This sequence change replaces isoleucine, which is neutral and non-polar, with leucine, which is neutral and non-polar, at codon 877 of the CACNA2D1 protein (p.Ile877Leu). This variant is present in population databases (no rsID available, gnomAD 0.003%). This variant has not been reported in the literature in individuals affected with CACNA2D1-related conditions. An algorithm developed to predict the effect of missense changes on protein structure and function (PolyPhen-2) suggests that this variant is likely to be tolerated. In summary, the available evidence is currently insufficient to determine the role of this variant in disease. Therefore, it has been classified as a Variant of Uncertain Significance.

NM_000722.4(CACNA2D1):c.2629A>C (p.Ile877Leu)

Gene: CACNA2D1 (calcium voltage-gated channel auxiliary subunit alpha2delta 1; minus strand). Cytogenetic location: 7q21.11.
Variant type: single nucleotide variant.
Coding change: c.2629A>C on transcript NM_000722.4 (MANE Select); coding-DNA position 2629, A replaced by C.
Protein change: p.Ile877Leu; replaces isoleucine 877 with leucine.
Molecular consequence: missense variant.
Genome position (GRCh38, 1-based): chr7:81,964,305, T>G on the plus strand (A>C on the coding strand, the complement: CACNA2D1 is on the minus strand). VCF-style: chr7-81964305-T-G. GRCh37 (hg19) VCF-style: chr7-81593621-T-G.
Other names: c.2665A>C, p.Ile889Leu (NM_001366867.1); short protein forms I889L, I877L.
Identifiers: ClinVar variation 3669987 (VCV003669987.2).